The following is an entry in ClinVar:

ClinVar aggregate classification (germline): Pathogenic (1 of 4 stars; one submission).

Submission:

GeneDx
Classification: Pathogenic. Last evaluated: 2016-10-12. Review status: criteria provided, single submitter. Criteria: GeneDx Variant Classification (06012015). Collection method: clinical testing. Allele origin: germline. Affected: yes.
Comment: The de novo c.1119delG variant has not been published as a pathogenic variant, nor has it been reported as a benign variant to our knowledge. It was not observed in approximately 6,500 individuals of European and African American ancestry in the NHLBI Exome Sequencing Project, indicating it is not a common benign variant in these populations. The c.1119delG variant causes a frameshift starting with codon Leucine 373, changes this amino acid to a Phenylalanine residue and creates a premature Stop codon at position 6 of the new reading frame, denoted p.Leu373PhefsX6. This variant is predicted to cause loss of normal protein function either through protein truncation or nonsense-mediated mRNA decay. Other frameshift variants have been reported in the SCN1A gene in association with SCN1A-related disorders (Stenson et al., 2014).

NM_001165963.4(SCN1A):c.1119del (p.Leu373fs)

Gene: SCN1A (sodium voltage-gated channel alpha subunit 1; minus strand). Cytogenetic location: 2q24.3.
Variant type: Deletion.
Coding change: c.1119del on transcript NM_001165963.4 (MANE Select); coding-DNA position 1119, one base deleted (G; older notation c.1119delG).
Protein change: p.Leu373fs; shifts the reading frame from leucine 373.
Molecular consequence: frameshift variant. On other transcripts: 5 prime UTR variant (1), non-coding transcript variant (1).
Genome position (GRCh38, 1-based): chr2:166,047,678, C deleted on the plus strand (G on the coding strand, the reverse complement: SCN1A is on the minus strand). VCF-style (leftmost placement, unchanged base first): chr2-166047677-AC-A. GRCh37 (hg19) VCF-style: chr2-166904187-AC-A.
Other names: c.1119del, p.Leu373fs (NM_001165964.3, NM_001202435.3, NM_001353948.2 and 10 more transcripts); c.-1307del (NM_001353961.2); short protein forms L373fs.
Identifiers: ClinVar variation 280797 (VCV000280797.2), dbSNP rs886041939, ClinGen allele CA10602835.